The following is an entry in ClinVar:

NM_133497.4(KCNV2):c.70A>C (p.Ser24Arg)

Gene: KCNV2 (potassium voltage-gated channel modifier subfamily V member 2; plus strand). Cytogenetic location: 9p24.2.
Variant type: single nucleotide variant.
Coding change: c.70A>C on transcript NM_133497.4 (MANE Select); coding-DNA position 70, A replaced by C.
Protein change: p.Ser24Arg; replaces serine 24 with arginine.
Molecular consequence: missense variant.
Genome position (GRCh38, 1-based): chr9:2,717,809, A>C. VCF-style: chr9-2717809-A-C. GRCh37 (hg19) VCF-style: chr9-2717809-A-C.
Other names: short protein forms S24R.
Identifiers: ClinVar variation 3287774 (VCV003287774.2).
Genomic context (GRCh38, chr9:2,717,809, plus strand): 5'-CAGAGTGAGAGGAGACGGTCCTGGAGCTACAGGCCCTGGAACACGACGGAGAATGAGGGC[A>C]GCCAACACCGCAGGAGCATTTGCTCCCTGGGTGCCCGTTCCGGCTCCCAGGCCAGCATCC-3'
Protein context (NP_598004.1, residues 14-34): RPWNTTENEG[Ser24Arg]QHRRSICSLG

ClinVar aggregate classification (germline): Uncertain significance. Review status: criteria provided, multiple submitters, no conflicts (2 of 4 stars). 2 submissions from 2 submitters: Uncertain significance (2). Last evaluated 2025-05-14.

Conditions:
Inborn genetic diseases. Identifiers: MedGen C0950123, MeSH D030342.

Submissions (2):

Labcorp Genetics (formerly Invitae), Labcorp
Classification: Uncertain significance. Last evaluated: 2025-05-14. Review status: criteria provided, single submitter. Criteria: Invitae Variant Classification Sherloc (09022015). Collection method: clinical testing. Allele origin: germline.
Comment: This sequence change replaces serine, which is neutral and polar, with arginine, which is basic and polar, at codon 24 of the KCNV2 protein (p.Ser24Arg). This variant is not present in population databases (gnomAD no frequency). This variant has not been reported in the literature in individuals affected with KCNV2-related conditions. ClinVar contains an entry for this variant (Variation ID: 3287774). Invitae Evidence Modeling of protein sequence and biophysical properties (such as structural, functional, and spatial information, amino acid conservation, physicochemical variation, residue mobility, and thermodynamic stability) indicates that this missense variant is not expected to disrupt KCNV2 protein function with a negative predictive value of 95%. In summary, the available evidence is currently insufficient to determine the role of this variant in disease. Therefore, it has been classified as a Variant of Uncertain Significance.

Ambry Genetics
Classification: Uncertain significance for Inborn genetic diseases. Last evaluated: 2024-06-18. Review status: criteria provided, single submitter. Criteria: Ambry Variant Classification Scheme 2023. Collection method: clinical testing. Allele origin: germline.